The following is an entry in ClinVar:

NM_015426.5(POC1A):c.248A>G (p.Lys83Arg)

Gene: POC1A (POC1 centriolar protein A; minus strand). Cytogenetic location: 3p21.2.
Variant type: single nucleotide variant.
Coding change: c.248A>G on transcript NM_015426.5 (MANE Select); coding-DNA position 248, A replaced by G.
Protein change: p.Lys83Arg; replaces lysine 83 with arginine.
Molecular consequence: missense variant.
Genome position (GRCh38, 1-based): chr3:52,149,843, T>C on the plus strand (A>G on the coding strand, the complement: POC1A is on the minus strand). VCF-style: chr3-52149843-T-C. GRCh37 (hg19) VCF-style: chr3-52183859-T-C.
Other names: c.248A>G, p.Lys83Arg (NM_001161580.2); c.134A>G, p.Lys45Arg (NM_001161581.2); short protein forms K45R, K83R.
Identifiers: ClinVar variation 2062266 (VCV002062266.4), dbSNP rs751796022, ClinGen allele CA2429700.
Genomic context (GRCh38, chr3:52,149,843, plus strand): 5'-CTCCAACAAGCCTCCTCAAAGTGTACGACTCACACATTGGGTACCCAGATGCGGACAGTC[T>C]TGTCTCGGGAGCCGGAAGCAAGCAGGTGTCCCGAAGGAGAGAAGTTCACACAGGTGACGG-3'
Protein context (NP_056241.3, residues 73-93): GHLLASGSRD[Lys83Arg]TVRIWVPNVK

ClinVar aggregate classification (germline): Uncertain significance (1 of 4 stars; one submission).

Allele frequency attached by ClinVar (database versions not stated): ExAC 0.00001.

Submission:

Labcorp Genetics (formerly Invitae), Labcorp
Classification: Uncertain significance. Last evaluated: 2021-12-27. Review status: criteria provided, single submitter. Criteria: Invitae Variant Classification Sherloc (09022015). Collection method: clinical testing. Allele origin: germline.
Comment: In summary, the available evidence is currently insufficient to determine the role of this variant in disease. Therefore, it has been classified as a Variant of Uncertain Significance. Algorithms developed to predict the effect of sequence changes on RNA splicing suggest that this variant may create or strengthen a splice site. Algorithms developed to predict the effect of missense changes on protein structure and function are either unavailable or do not agree on the potential impact of this missense change (SIFT: "Not Available"; PolyPhen-2: "Possibly Damaging"; Align-GVGD: "Not Available"). This variant has not been reported in the literature in individuals affected with POC1A-related conditions. This variant is not present in population databases (gnomAD no frequency). This sequence change replaces lysine, which is basic and polar, with arginine, which is basic and polar, at codon 83 of the POC1A protein (p.Lys83Arg).